The following is an entry in ClinVar:

ClinVar aggregate classification (germline): Uncertain significance. Review status: criteria provided, multiple submitters, no conflicts (2 of 4 stars). 4 submissions from 4 submitters: Uncertain significance (4). Last evaluated 2025-12-11.

Conditions:
Familial thoracic aortic aneurysm and aortic dissection (TAAD). Also called: Thoracic aortic aneurysms and dissections. Identifiers: Orphanet 91387, MedGen C4707243, MONDO:0019625.
Aortic aneurysm, familial thoracic 7 (AAT7). Also called: AORTIC DISSECTION, FAMILIAL, WITH OR WITHOUT AORTIC ANEURYSM. Identifiers: MedGen C3151077, MONDO:0013418, OMIM 613780.

Allele frequency attached by ClinVar (database versions not stated): gnomAD exomes below 0.00001 and 0.00001; ExAC 0.00001; gnomAD 0.00001; TOPMed 0.00002.
gnomAD v4.1: 19 of 1,560,562 alleles (0.0012%); highest among the groups gnomAD compares: East Asian, 0.0022%; no homozygotes.

Submissions (4):

Labcorp Genetics (formerly Invitae), Labcorp
Classification: Uncertain significance for Aortic aneurysm, familial thoracic 7. Last evaluated: 2025-12-11. Review status: criteria provided, single submitter. Criteria: Invitae Variant Classification Sherloc (09022015). Collection method: clinical testing. Allele origin: germline.
Comment: This sequence change replaces asparagine, which is neutral and polar, with serine, which is neutral and polar, at codon 277 of the MYLK protein (p.Asn277Ser). This variant is present in population databases (rs745524804, gnomAD 0.001%). This variant has not been reported in the literature in individuals affected with MYLK-related conditions. ClinVar contains an entry for this variant (Variation ID: 598542). Invitae Evidence Modeling of protein sequence and biophysical properties (such as structural, functional, and spatial information, amino acid conservation, physicochemical variation, residue mobility, and thermodynamic stability) indicates that this missense variant is not expected to disrupt MYLK protein function with a negative predictive value of 95%. In summary, the available evidence is currently insufficient to determine the role of this variant in disease. Therefore, it has been classified as a Variant of Uncertain Significance.

Ambry Genetics
Classification: Uncertain significance for Familial thoracic aortic aneurysm and aortic dissection. Last evaluated: 2025-01-27. Review status: criteria provided, single submitter. Criteria: Ambry Variant Classification Scheme 2023. Collection method: clinical testing. Allele origin: germline.
Comment: The p.N277S variant (also known as c.830A>G), located in coding exon 7 of the MYLK gene, results from an A to G substitution at nucleotide position 830. The asparagine at codon 277 is replaced by serine, an amino acid with highly similar properties. This amino acid position is conserved. In addition, this alteration is predicted to be tolerated by in silico analysis. Based on the available evidence, the clinical significance of this variant remains unclear.

GeneDx
Classification: Uncertain significance. Last evaluated: 2024-05-10. Review status: criteria provided, single submitter. Criteria: GeneDx Variant Classification Process June 2021. Collection method: clinical testing. Allele origin: germline. Affected: yes.
Comment: Has not been previously published as pathogenic or benign to our knowledge; In silico analysis indicates that this missense variant does not alter protein structure/function; Not observed at significant frequency in large population cohorts (gnomAD)

Eurofins Ntd Llc (ga)
Classification: Uncertain significance. Last evaluated: 2018-08-22. Review status: criteria provided, single submitter. Criteria: EGL ClinVar v180209 classification definitions. Collection method: clinical testing. Allele origin: germline. Observed: 1 variant allele, 1 heterozygote.

NM_053025.4(MYLK):c.830A>G (p.Asn277Ser)

Gene: MYLK (myosin light chain kinase; minus strand). Cytogenetic location: 3q21.1.
Variant type: single nucleotide variant.
Coding change: c.830A>G on transcript NM_053025.4 (MANE Select); coding-DNA position 830, A replaced by G.
Protein change: p.Asn277Ser; replaces asparagine 277 with serine.
Molecular consequence: missense variant.
Genome position (GRCh38, 1-based): chr3:123,734,166, T>C on the plus strand (A>G on the coding strand, the complement: MYLK is on the minus strand). VCF-style: chr3-123734166-T-C. GRCh37 (hg19) VCF-style: chr3-123453013-T-C.
Other names: c.302A>G, p.Asn101Ser (NM_001321309.2); c.830A>G, p.Asn277Ser (NM_053026.4, NM_053027.4, NM_053028.4); short protein forms N277S, N101S.
Identifiers: ClinVar variation 598542 (VCV000598542.12), dbSNP rs745524804, ClinGen allele CA073683.
Genomic context (GRCh38, chr3:123,734,166, plus strand): 5'-CAGTTCTTGCTTTTGGCTGCAGCCTCCAGACTGTCCAGCTTCGACTCCTTTGAGATTACA[T>C]TGGTCACCTCTTTCCTGACATCTGAATTGGTGGCTTTTGTTTCTCTCACAAATGACCTGT-3'
Protein context (NP_444253.3, residues 267-287): TNSDVRKEVT[Asn277Ser]VISKESKLDS